The following is an entry in ClinVar:

NM_000535.7(PMS2):c.1537A>G (p.Ser513Gly)

Gene: PMS2 (PMS1 homolog 2, mismatch repair system component; minus strand). Cytogenetic location: 7p22.1.
Variant type: single nucleotide variant.
Coding change: c.1537A>G on transcript NM_000535.7 (MANE Select); coding-DNA position 1537, A replaced by G.
Protein change: p.Ser513Gly; replaces serine 513 with glycine.
Molecular consequence: missense variant. On other transcripts: non-coding transcript variant (1).
Genome position (GRCh38, 1-based): chr7:5,987,228, T>C on the plus strand (A>G on the coding strand, the complement: PMS2 is on the minus strand). VCF-style: chr7-5987228-T-C. GRCh37 (hg19) VCF-style: chr7-6026859-T-C.
Other names: c.1132A>G, p.Ser378Gly (NM_001322003.2, NM_001322004.2, NM_001322005.2 and 1 more transcripts); c.1381A>G, p.Ser461Gly (NM_001322006.2); c.1219A>G, p.Ser407Gly (NM_001322007.2, NM_001322008.2); c.976A>G, p.Ser326Gly (NM_001322010.2); c.604A>G, p.Ser202Gly (NM_001322011.2, NM_001322012.2); c.964A>G, p.Ser322Gly (NM_001322013.2); c.1537A>G, p.Ser513Gly (NM_001322014.2); c.1228A>G, p.Ser410Gly (NM_001322015.2); short protein forms S410G, S378G, S461G, S407G, S202G, S322G, S326G, S513G.
Identifiers: ClinVar variation 647666 (VCV000647666.8), dbSNP rs1583318731, ClinGen allele CA366741641.
Genomic context (GRCh38, chr7:5,987,228, plus strand): 5'-CATGTTCCTGCGAGCCCCTGTCCCCTGGGGAGCTGGCCGCATACTCGCTGCTGCAGTGAC[T>C]GCCCGTGTCTGGGATGCTGAACCCCTCAGAATCCACGGAAGTGCTGCCGTGCCCCGAGTC-3'
Protein context (NP_000526.2, residues 503-523): SEGFSIPDTG[Ser513Gly]HCSSEYAASS

ClinVar aggregate classification (germline): Uncertain significance (1 of 4 stars; one submission).

Conditions:
Hereditary nonpolyposis colorectal neoplasms. Identifiers: MedGen C0009405, MeSH D003123.

Submission:

Labcorp Genetics (formerly Invitae), Labcorp
Classification: Uncertain significance for Hereditary nonpolyposis colorectal neoplasms. Last evaluated: 2022-07-26. Review status: criteria provided, single submitter. Criteria: Invitae Variant Classification Sherloc (09022015). Collection method: clinical testing. Allele origin: germline.
Comment: In summary, the available evidence is currently insufficient to determine the role of this variant in disease. Therefore, it has been classified as a Variant of Uncertain Significance. Advanced modeling of protein sequence and biophysical properties (such as structural, functional, and spatial information, amino acid conservation, physicochemical variation, residue mobility, and thermodynamic stability) performed at Invitae indicates that this missense variant is not expected to disrupt PMS2 protein function. ClinVar contains an entry for this variant (Variation ID: 647666). This variant has not been reported in the literature in individuals affected with PMS2-related conditions. This variant is not present in population databases (gnomAD no frequency). This sequence change replaces serine, which is neutral and polar, with glycine, which is neutral and non-polar, at codon 513 of the PMS2 protein (p.Ser513Gly).